The following is an entry in ClinVar:

ClinVar aggregate classification (germline): Uncertain significance (1 of 4 stars; one submission).

Submission:

Labcorp Genetics (formerly Invitae), Labcorp
Classification: Uncertain significance. Last evaluated: 2022-08-15. Review status: criteria provided, single submitter. Criteria: Invitae Variant Classification Sherloc (09022015). Collection method: clinical testing. Allele origin: germline.
Comment: This variant has not been reported in the literature in individuals affected with POLE-related conditions. ClinVar contains an entry for this variant (Variation ID: 649274). Algorithms developed to predict the effect of missense changes on protein structure and function (SIFT, PolyPhen-2, Align-GVGD) all suggest that this variant is likely to be disruptive. In summary, the available evidence is currently insufficient to determine the role of this variant in disease. Therefore, it has been classified as a Variant of Uncertain Significance. This variant is not present in population databases (gnomAD no frequency). This sequence change replaces glycine, which is neutral and non-polar, with arginine, which is basic and polar, at codon 863 of the POLE protein (p.Gly863Arg).

NM_006231.4(POLE):c.2587G>C (p.Gly863Arg)

Gene: POLE (DNA polymerase epsilon, catalytic subunit; minus strand). Cytogenetic location: 12q24.33.
Variant type: single nucleotide variant.
Coding change: c.2587G>C on transcript NM_006231.4 (MANE Select); coding-DNA position 2587, G replaced by C.
Protein change: p.Gly863Arg; replaces glycine 863 with arginine.
Molecular consequence: missense variant.
Genome position (GRCh38, 1-based): chr12:132,664,123, C>G on the plus strand (G>C on the coding strand, the complement: POLE is on the minus strand). VCF-style: chr12-132664123-C-G. GRCh37 (hg19) VCF-style: chr12-133240709-C-G.
Other names: short protein forms G863R.
Identifiers: ClinVar variation 649274 (VCV000649274.8), dbSNP rs1593782300, ClinGen allele CA387395825.
Genomic context (GRCh38, chr12:132,664,123, plus strand): 5'-CATTGGTCGTCTTGAAGACAAAATTTTCTGGGAAGCTGTTGGGCAGGACGCACCATATAC[C>G]ATCTGTGTCCAGCTCTAAGGGCCTCCTTCAGAGAAAGAGAGGAGCAAGGTCGTGAGTTCC-3'
Protein context (NP_006222.2, residues 853-873): IGRPLELDTD[Gly863Arg]IWCVLPNSFP